The following is an entry in ClinVar:

NM_000383.4(AIRE):c.739C>T (p.Arg247Cys)

Gene: AIRE (autoimmune regulator; plus strand). Cytogenetic location: 21q22.3.
Variant type: single nucleotide variant.
Coding change: c.739C>T on transcript NM_000383.4 (MANE Select); coding-DNA position 739, C replaced by T.
Protein change: p.Arg247Cys; replaces arginine 247 with cysteine.
Molecular consequence: missense variant.
Genome position (GRCh38, 1-based): chr21:44,289,743, C>T. VCF-style: chr21-44289743-C-T. GRCh37 (hg19) VCF-style: chr21-45709626-C-T.
Other names: short protein forms R247C.
Identifiers: ClinVar variation 2047618 (VCV002047618.3), dbSNP rs147846074, ClinGen allele CA10051692.

ClinVar aggregate classification (germline): Uncertain significance (1 of 4 stars; one submission).

Conditions:
Polyglandular autoimmune syndrome, type 1 (APS1). Also called: Autoimmune polyendocrinopathy syndrome , type I, with or without reversible metaphyseal dysplasia; Autoimmune polyendocrinopathy syndrome, type I; AUTOIMMUNE POLYENDOCRINE SYNDROME, TYPE I, WITH OR WITHOUT REVERSIBLE METAPHYSEAL DYSPLASIA; HYPOADRENOCORTICISM WITH HYPOPARATHYROIDISM AND SUPERFICIAL MONILIASIS; PGA I; Whitaker syndrome. Identifiers: Orphanet 3453, MedGen C0085859, MONDO:0009411, OMIM 240300.

Allele frequency attached by ClinVar (database versions not stated): TOPMed 0.00018; 1000 Genomes Project 0.00020; ESP Exome Variant Server 0.00023; 1000 Genomes Project 30x 0.00031.

Submission:

Labcorp Genetics (formerly Invitae), Labcorp
Classification: Uncertain significance for Polyglandular autoimmune syndrome, type 1. Last evaluated: 2024-09-05. Review status: criteria provided, single submitter. Criteria: Invitae Variant Classification Sherloc (09022015). Collection method: clinical testing. Allele origin: germline.
Comment: This sequence change replaces arginine, which is basic and polar, with cysteine, which is neutral and slightly polar, at codon 247 of the AIRE protein (p.Arg247Cys). This variant is present in population databases (rs147846074, gnomAD 0.04%). This variant has not been reported in the literature in individuals affected with AIRE-related conditions. ClinVar contains an entry for this variant (Variation ID: 2047618). Invitae Evidence Modeling of protein sequence and biophysical properties (such as structural, functional, and spatial information, amino acid conservation, physicochemical variation, residue mobility, and thermodynamic stability) has been performed for this missense variant. However, the output from this modeling did not meet the statistical confidence thresholds required to predict the impact of this variant on AIRE protein function. Experimental studies have shown that this missense change affects AIRE function (PMID: 29129473). In summary, the available evidence is currently insufficient to determine the role of this variant in disease. Therefore, it has been classified as a Variant of Uncertain Significance.

Literature cited by the submitters: PubMed 29129473.